The following is an entry in ClinVar:

ClinVar aggregate classification (germline): Uncertain significance (1 of 4 stars; one submission).

Submission:

Ambry Genetics
Classification: Uncertain significance. Last evaluated: 2026-09-04. Review status: criteria provided, single submitter. Criteria: Ambry Variant Classification Scheme 2023. Collection method: clinical testing. Allele origin: germline.
Comment: The p.A411G variant (also known as c.1232C>G), located in coding exon 2 of the CDK12 gene, results from a C to G substitution at nucleotide position 1232. The alanine at codon 411 is replaced by glycine, an amino acid with similar properties. This amino acid position is conserved. In addition, this alteration is predicted to be tolerated by in silico analysis. Based on the available evidence, the clinical significance of this variant remains unclear.

NM_016507.4(CDK12):c.1232C>G (p.Ala411Gly)

Gene: CDK12 (cyclin dependent kinase 12; plus strand). Cytogenetic location: 17q12.
Variant type: single nucleotide variant.
Coding change: c.1232C>G on transcript NM_016507.4 (MANE Select); coding-DNA position 1232, C replaced by G.
Protein change: p.Ala411Gly; replaces alanine 411 with glycine.
Molecular consequence: missense variant.
Genome position (GRCh38, 1-based): chr17:39,471,064, C>G. VCF-style: chr17-39471064-C-G. GRCh37 (hg19) VCF-style: chr17-37627317-C-G.
Other names: c.1232C>G, p.Ala411Gly (NM_015083.4); short protein forms A411G.
Identifiers: ClinVar variation 5034182 (VCV005034182.1).